The following is an entry in ClinVar:

ClinVar aggregate classification (germline): Uncertain significance (1 of 4 stars; one submission).

Conditions:
Autosomal dominant intellectual disability-craniofacial anomalies-cardiac defects syndrome (ARTHS). Also called: KAT6A syndrome; Mental retardation, autosomal dominant 32; Arboleda-Tham syndrome. Identifiers: Orphanet 457193, MedGen C4225396, MONDO:0014558, OMIM 616268.

Allele frequency attached by ClinVar (database versions not stated): gnomAD exomes below 0.00001; gnomAD 0.00001; TOPMed 0.00001.
gnomAD v4.1: 4 of 1,613,762 alleles (0.00025%); highest among the groups gnomAD compares: Admixed American, 0.0017%; no homozygotes.

Submission:

Baylor Genetics
Classification: Uncertain significance for Autosomal dominant intellectual disability-craniofacial anomalies-cardiac defects syndrome. Last evaluated: 2019-06-21. Review status: criteria provided, single submitter. Criteria: ACMG Guidelines, 2015. Collection method: clinical testing. Allele origin: unknown. Affected: yes.
Comment: This variant was determined to be of uncertain significance according to ACMG Guidelines, 2015 [PMID:25741868].

NM_006766.5(KAT6A):c.2989C>T (p.Pro997Ser)

Gene: KAT6A (lysine acetyltransferase 6A; minus strand). Cytogenetic location: 8p11.21.
Variant type: single nucleotide variant.
Coding change: c.2989C>T on transcript NM_006766.5 (MANE Select); coding-DNA position 2989, C replaced by T.
Protein change: p.Pro997Ser; replaces proline 997 with serine.
Molecular consequence: missense variant.
Genome position (GRCh38, 1-based): chr8:41,940,892, G>A on the plus strand (C>T on the coding strand, the complement: KAT6A is on the minus strand). VCF-style: chr8-41940892-G-A. GRCh37 (hg19) VCF-style: chr8-41798410-G-A.
Other names: short protein forms P997S.
Identifiers: ClinVar variation 1028555 (VCV001028555.1), dbSNP rs1044282559, ClinGen allele CA175944391.
Genomic context (GRCh38, chr8:41,940,892, plus strand): 5'-AATGCGTTACCTTTCGCTTCAGCGTGGGCTTTGTGAGAATTGGTGGCGAGCTTGACCGAG[G>A]GCTTTCCGGCTCCTCCTCCTCCTCGCTGCTCTCACTGAAGCCCCTGAGGACAGCCCTGTC-3'
Protein context (NP_006757.2, residues 987-1007): SSEEEEEPES[Pro997Ser]RSSSPPILTK